The following is an entry in ClinVar:

NM_021020.5(LZTS1):c.1276C>G (p.Leu426Val)

Gene: LZTS1 (leucine zipper tumor suppressor 1; minus strand). Cytogenetic location: 8p21.3.
Variant type: single nucleotide variant.
Coding change: c.1276C>G on transcript NM_021020.5 (MANE Select); coding-DNA position 1276, C replaced by G.
Protein change: p.Leu426Val; replaces leucine 426 with valine.
Molecular consequence: missense variant.
Genome position (GRCh38, 1-based): chr8:20,250,237, G>C on the plus strand (C>G on the coding strand, the complement: LZTS1 is on the minus strand). VCF-style: chr8-20250237-G-C. GRCh37 (hg19) VCF-style: chr8-20107748-G-C.
Other names: c.1276C>G, p.Leu426Val (NM_001362884.2); short protein forms L426V.
Identifiers: ClinVar variation 2727296 (VCV002727296.3), dbSNP rs1285347993, ClinGen allele CA370476472.

ClinVar aggregate classification (germline): Uncertain significance (1 of 4 stars; one submission).

Allele frequency attached by ClinVar (database versions not stated): TOPMed below 0.00001; gnomAD 0.00001.
gnomAD v4.1: 3 of 1,613,208 alleles (0.00019%); highest among the groups gnomAD compares: Admixed American, 0.0033%; no homozygotes.

Submission:

Labcorp Genetics (formerly Invitae), Labcorp
Classification: Uncertain significance. Last evaluated: 2025-10-07. Review status: criteria provided, single submitter. Criteria: Invitae Variant Classification Sherloc (09022015). Collection method: clinical testing. Allele origin: germline.
Comment: This sequence change replaces leucine, which is neutral and non-polar, with valine, which is neutral and non-polar, at codon 426 of the LZTS1 protein (p.Leu426Val). This variant is present in population databases (no rsID available, gnomAD 0.006%). This variant has not been reported in the literature in individuals affected with LZTS1-related conditions. ClinVar contains an entry for this variant (Variation ID: 2727296). Invitae Evidence Modeling of protein sequence and biophysical properties (such as structural, functional, and spatial information, amino acid conservation, physicochemical variation, residue mobility, and thermodynamic stability) indicates that this missense variant is not expected to disrupt LZTS1 protein function with a negative predictive value of 80%. In summary, the available evidence is currently insufficient to determine the role of this variant in disease. Therefore, it has been classified as a Variant of Uncertain Significance.